The following is an entry in ClinVar:

ClinVar aggregate classification (germline): Likely benign (1 of 4 stars; one submission).

Submission:

CeGaT Center for Human Genetics Tuebingen
Classification: Likely benign. Last evaluated: 2022-12-01. Review status: criteria provided, single submitter. Criteria: CeGaT Center For Human Genetics Tuebingen Variant Classification Criteria Version 2. Collection method: clinical testing. Allele origin: germline. Affected: yes. Observed: 1 variant allele.
Comment: TPO: BS1

NM_001206744.2(TPO):c.2619-3077T>C

Genes: LALTOP (lung cancer associated lncRNA targeting TOP2A; minus strand), TPO (thyroid peroxidase; plus strand). Cytogenetic location: 2p25.3.
Variant type: single nucleotide variant.
Coding change: c.2619-3077T>C on transcript NM_001206744.2 (MANE Select); 3077 bases into the intron before coding-DNA position 2619, T replaced by C.
Molecular consequence: intron variant.
Genome position (GRCh38, 1-based): chr2:1,537,517, T>C. VCF-style: chr2-1537517-T-C. GRCh37 (hg19) VCF-style: chr2-1541289-T-C.
Other names: c.2619-3077T>C (NM_000547.6); c.2448-3077T>C (NM_175719.4, NM_001206745.2); c.2487-3077T>C (NM_175721.3); c.2100-3077T>C (NM_175722.3).
Identifiers: ClinVar variation 2650608 (VCV002650608.24), dbSNP rs1327319497, ClinGen allele CA530414875.